The following is an entry in ClinVar:

ClinVar aggregate classification (germline): Uncertain significance. Review status: criteria provided, multiple submitters, no conflicts (2 of 4 stars). 2 submissions from 2 submitters: Uncertain significance (2). Last evaluated 2025-10-15.

Conditions:
Juvenile polyposis syndrome (JPS). Identifiers: Orphanet 2929, MedGen C0345893, MONDO:0017380, OMIM 174900.
Hereditary cancer-predisposing syndrome. Also called: Neoplastic Syndromes, Hereditary; Hereditary neoplastic syndrome; Tumor predisposition; Hereditary Cancer Syndrome. Identifiers: Orphanet 140162, MedGen C0027672, MeSH D009386, MONDO:0015356.

Allele frequency attached by ClinVar (database versions not stated): TOPMed below 0.00001.

Submissions (2):

Labcorp Genetics (formerly Invitae), Labcorp
Classification: Uncertain significance for Juvenile polyposis syndrome. Last evaluated: 2025-10-15. Review status: criteria provided, single submitter. Criteria: Invitae Variant Classification Sherloc (09022015). Collection method: clinical testing. Allele origin: germline.
Comment: This sequence change replaces aspartic acid, which is acidic and polar, with glycine, which is neutral and non-polar, at codon 27 of the BMPR1A protein (p.Asp27Gly). This variant is not present in population databases (gnomAD no frequency). This variant has not been reported in the literature in individuals affected with BMPR1A-related conditions. ClinVar contains an entry for this variant (Variation ID: 663629). Invitae Evidence Modeling incorporating data from in vitro experimental studies (internal data) indicates that this missense variant is not expected to disrupt BMPR1A function with a negative predictive value of 95%. RNA analysis performed to evaluate the impact of this missense change on mRNA splicing indicates it does not significantly alter splicing (internal data). In summary, the available evidence is currently insufficient to determine the role of this variant in disease. Therefore, it has been classified as a Variant of Uncertain Significance.

Ambry Genetics
Classification: Uncertain significance for Hereditary cancer-predisposing syndrome. Last evaluated: 2021-04-02. Review status: criteria provided, single submitter. Criteria: Ambry Variant Classification Scheme 2023. Collection method: clinical testing. Allele origin: germline.
Comment: The p.D27G variant (also known as c.80A>G), located in coding exon 2 of the BMPR1A gene, results from an A to G substitution at nucleotide position 80. The aspartic acid at codon 27 is replaced by glycine, an amino acid with similar properties. This amino acid position is well conserved in available vertebrate species. In addition, the in silico prediction for this alteration is inconclusive. Since supporting evidence is limited at this time, the clinical significance of this alteration remains unclear.

NM_004329.3(BMPR1A):c.80A>G (p.Asp27Gly)

Gene: BMPR1A (bone morphogenetic protein receptor type 1A; plus strand). Cytogenetic location: 10q23.2.
Variant type: single nucleotide variant.
Coding change: c.80A>G on transcript NM_004329.3 (MANE Select); coding-DNA position 80, A replaced by G.
Protein change: p.Asp27Gly; replaces aspartic acid 27 with glycine.
Molecular consequence: missense variant.
Genome position (GRCh38, 1-based): chr10:86,890,074, A>G. VCF-style: chr10-86890074-A-G. GRCh37 (hg19) VCF-style: chr10-88649831-A-G.
Other names: short protein forms D27G.
Identifiers: ClinVar variation 663629 (VCV000663629.12), dbSNP rs1589763296, ClinGen allele CA377446254.
Genomic context (GRCh38, chr10:86,890,074, plus strand): 5'-TGAGCTTTTCAGAAATGATTTACTTACAAATTCCATATTTGAATGCAGGACAGAATCTGG[A>G]TAGTATGCTTCATGGCACTGGGATGAAATCAGACTCCGACCAGAAAAAGTCAGAAAATGG-3'
Protein context (NP_004320.2, residues 17-37): IISRVQGQNL[Asp27Gly]SMLHGTGMKS